The following is an entry in ClinVar:

NM_030653.4(DDX11):c.639-6A>T

Gene: DDX11 (DEAD/H-box helicase 11; plus strand). Cytogenetic location: 12p11.21.
Variant type: single nucleotide variant.
Coding change: c.639-6A>T on transcript NM_030653.4 (MANE Select); 6 bases into the intron before coding-DNA position 639, A replaced by T.
Molecular consequence: intron variant.
Genome position (GRCh38, 1-based): chr12:31,087,932, A>T. VCF-style: chr12-31087932-A-T. GRCh37 (hg19) VCF-style: chr12-31240866-A-T.
Other names: c.639-6A>T (NM_152438.2, NM_004399.3, NM_001257144.2); c.561-6A>T (NM_001257145.2).
Identifiers: ClinVar variation 713124 (VCV000713124.29), dbSNP rs555397858, ClinGen allele CA6500860.

ClinVar aggregate classification (germline): Likely benign. Review status: criteria provided, multiple submitters, no conflicts (2 of 4 stars). 3 submissions from 3 submitters: Likely benign (3). Last evaluated 2026-01-24.

Allele frequency attached by ClinVar (database versions not stated): gnomAD exomes 0.00025; ExAC 0.00031; 1000 Genomes Project 30x 0.00141; TOPMed 0.00148; 1000 Genomes Project 0.00180.

Submissions (3):

Labcorp Genetics (formerly Invitae), Labcorp
Classification: Likely benign. Last evaluated: 2026-01-24. Review status: criteria provided, single submitter. Criteria: Invitae Variant Classification Sherloc (09022015). Collection method: clinical testing. Allele origin: germline.

Blueprint Genetics
Classification: Likely benign. Last evaluated: 2024-11-25. Review status: criteria provided, single submitter. Criteria: ACMG Guidelines, 2015. Collection method: clinical testing. Allele origin: germline.

CeGaT Center for Human Genetics Tuebingen
Classification: Likely benign. Last evaluated: 2023-05-01. Review status: criteria provided, single submitter. Criteria: CeGaT Center For Human Genetics Tuebingen Variant Classification Criteria Version 2. Collection method: clinical testing. Allele origin: germline. Affected: yes. Observed: 1 variant allele.
Comment: DDX11: BP4